The following is an entry in ClinVar:

ClinVar aggregate classification (germline): Benign (1 of 4 stars; one submission).

gnomAD v4.1: 1,636 of 1,613,900 alleles (0.1%); highest among the groups gnomAD compares: South Asian, 1.2%; 16 homozygotes.

Submission:

CeGaT Center for Human Genetics Tuebingen
Classification: Benign. Last evaluated: 2025-02-01. Review status: criteria provided, single submitter. Criteria: CeGaT Center For Human Genetics Tuebingen Variant Classification Criteria Version 2. Collection method: clinical testing. Allele origin: germline. Affected: yes. Observed: 1 variant allele.
Comment: ABCA8: BP4, BS1, BS2

NM_001288985.2(ABCA8):c.2426C>T (p.Ala809Val)

Gene: ABCA8 (ATP binding cassette subfamily A member 8; minus strand). Cytogenetic location: 17q24.2.
Variant type: single nucleotide variant.
Coding change: c.2426C>T on transcript NM_001288985.2 (MANE Select); coding-DNA position 2426, C replaced by T.
Protein change: p.Ala809Val; replaces alanine 809 with valine.
Molecular consequence: missense variant.
Genome position (GRCh38, 1-based): chr17:68,903,472, G>A on the plus strand (C>T on the coding strand, the complement: ABCA8 is on the minus strand). VCF-style: chr17-68903472-G-A. GRCh37 (hg19) VCF-style: chr17-66899613-G-A.
Other names: c.2426C>T, p.Ala809Val (NM_001288986.2); c.2243C>T, p.Ala748Val (NM_001375771.1); c.1004C>T, p.Ala335Val (NM_001375772.1); c.2306C>T, p.Ala769Val (NM_007168.4); short protein forms A335V, A748V, A769V, A809V.
Identifiers: ClinVar variation 3770620 (VCV003770620.13).